The following is an entry in ClinVar:

ClinVar aggregate classification (germline): Benign (1 of 4 stars; one submission).

Submission:

Unidad de Genómica Garrahan, Hospital de Pediatría Garrahan
Classification: Benign. Last evaluated: 2024-07-31. Review status: criteria provided, single submitter. Criteria: ACMG Guidelines, 2015. Collection method: clinical testing. Allele origin: germline. Affected: no. Observed: 21 variant alleles.
Comment: This variant is classified as Benign based on local population frequency. This variant was detected in 23% of patients studied in a panel designed for Epileptic and Developmental Encephalopathy, Progressive Myoclonus Epilepsy and Abnormal Movements and Neurodegeneration with brain iron accumulation. Number of patients: 21. Only high quality variants are reported.

NM_006516.4(SLC2A1):c.1278+27_1278+28insCTCTCCATTT

Gene: SLC2A1 (solute carrier family 2 member 1; minus strand). Cytogenetic location: 1p34.2.
Variant type: Microsatellite.
Coding change: c.1278+27_1278+28insCTCTCCATTT on transcript NM_006516.4 (MANE Select); bases 27 to 28 of the intron after coding-DNA position 1278, CTCTCCATTT inserted.
Molecular consequence: intron variant.
Genome position: GRCh38 VCF-style: chr1-42927577-T-TGAGAAATGGA. GRCh37 (hg19) VCF-style: chr1-43393248-T-TGAGAAATGGA.
Identifiers: ClinVar variation 3256832 (VCV003256832.2).